The following is an entry in ClinVar:

ClinVar aggregate classification (germline): Uncertain significance (1 of 4 stars; one submission).

gnomAD v4.1: 19 of 1,524,612 alleles (0.0012%); highest among the groups gnomAD compares: Middle Eastern, 0.037%; 4 homozygotes.

Submission:

Mayo Clinic Laboratories, Mayo Clinic
Classification: Uncertain significance. Last evaluated: 2024-06-20. Review status: criteria provided, single submitter. Criteria: ACMG Guidelines, 2015. Collection method: clinical testing. Allele origin: germline. Observed: 1 variant allele.
Comment: BP4

NM_002113.3(CFHR1):c.629C>T (p.Pro210Leu)

Gene: CFHR1 (complement factor H related 1; plus strand). Cytogenetic location: 1q31.3.
Variant type: single nucleotide variant.
Coding change: c.629C>T on transcript NM_002113.3 (MANE Select); coding-DNA position 629, C replaced by T.
Protein change: p.Pro210Leu; replaces proline 210 with leucine.
Molecular consequence: missense variant.
Genome position (GRCh38, 1-based): chr1:196,830,521, C>T. VCF-style: chr1-196830521-C-T. GRCh37 (hg19) VCF-style: chr1-196799651-C-T.
Other names: p.Pro210Leu; c.578C>T, p.Pro193Leu (NM_001379306.1); c.467C>T, p.Pro156Leu (NM_001379307.1); c.464C>T, p.Pro155Leu (NM_001379308.1); c.461C>T, p.Pro154Leu (NM_001379309.1); c.434C>T, p.Pro145Leu (NM_001379310.1); c.425C>T, p.Pro142Leu (NM_001379311.1); c.386C>T, p.Pro129Leu (NM_001379312.1); short protein forms P129L, P142L, P145L, P154L, P155L, P156L, P193L, P210L.
Identifiers: ClinVar variation 3380353 (VCV003380353.1).
Genomic context (GRCh38, chr1:196,830,521, plus strand): 5'-CTCTCACAATAAATCAAGTGATGAAATGATGTTTTTTAGATTCTACGGGAAAATGTGGGC[C>T]CCCTCCACCTATTGACAATGGGGACATTACTTCATTCCCGTTGTCAGTATATGCTCCAGC-3'
Protein context (NP_002104.2, residues 200-220): QCKDSTGKCG[Pro210Leu]PPPIDNGDIT